The following is an entry in ClinVar:

NM_004006.3(DMD):c.7421A>G (p.Asp2474Gly)

Gene: DMD (dystrophin; minus strand). Cytogenetic location: Xp21.1.
Variant type: single nucleotide variant.
Coding change: c.7421A>G on transcript NM_004006.3 (MANE Select); coding-DNA position 7421, A replaced by G.
Protein change: p.Asp2474Gly; replaces aspartic acid 2474 with glycine.
Molecular consequence: missense variant.
Genome position (GRCh38, 1-based): chrX:31,774,081, T>C on the plus strand (A>G on the coding strand, the complement: DMD is on the minus strand). VCF-style: chrX-31774081-T-C. GRCh37 (hg19) VCF-style: chrX-31792198-T-C.
Other names: c.7397A>G, p.Asp2466Gly (NM_000109.4); c.7409A>G, p.Asp2470Gly (NM_004009.3); c.7052A>G, p.Asp2351Gly (NM_004010.3); c.3398A>G, p.Asp1133Gly (NM_004011.4); c.3389A>G, p.Asp1130Gly (NM_004012.4); c.41A>G, p.Asp14Gly (NM_004013.3, NM_004020.4, NM_004021.3 and 2 more transcripts); c.7421A>G (NM_004006.2); short protein forms D2351G, D2470G, D1130G, D1133G, D2474G, D14G, D2466G.
Identifiers: ClinVar variation 1523451 (VCV001523451.10), dbSNP rs2149245152, ClinGen allele CA412658967.
Genomic context (GRCh38, chrX:31,774,081, plus strand): 5'-TTTATAACTTGATCAAGCAGAGAAAGCCAGTCGGTAAGTTCTGTCCAAGCCCGGTTGAAA[T>C]CTGCCAGAGCAGGTACCTCCAACATCAAGGAAGATGGCATTTCTAGTTTGGAGATGGCAG-3'
Protein context (NP_003997.2, residues 2464-2484): SLMLEVPALA[Asp2474Gly]FNRAWTELTD

ClinVar aggregate classification (germline): Uncertain significance. Review status: criteria provided, multiple submitters, no conflicts (2 of 4 stars). 2 submissions from 2 submitters: Uncertain significance (2). Last evaluated 2025-02-20.

Conditions:
Duchenne muscular dystrophy (DMD). Also called: MUSCULAR DYSTROPHY, PSEUDOHYPERTROPHIC PROGRESSIVE, DUCHENNE TYPE; Duchenne Muscular Dystrophy (DMD). Identifiers: Orphanet 98896, MedGen C0013264, MONDO:0010679, OMIM 310200.

Submissions (2):

Labcorp Genetics (formerly Invitae), Labcorp
Classification: Uncertain significance for Duchenne muscular dystrophy. Last evaluated: 2025-02-20. Review status: criteria provided, single submitter. Criteria: Invitae Variant Classification Sherloc (09022015). Collection method: clinical testing. Allele origin: germline.
Comment: This sequence change replaces aspartic acid, which is acidic and polar, with glycine, which is neutral and non-polar, at codon 2474 of the DMD protein (p.Asp2474Gly). This variant is not present in population databases (gnomAD no frequency). This variant has not been reported in the literature in individuals affected with DMD-related conditions. ClinVar contains an entry for this variant (Variation ID: 1523451). Invitae Evidence Modeling of protein sequence and biophysical properties (such as structural, functional, and spatial information, amino acid conservation, physicochemical variation, residue mobility, and thermodynamic stability) indicates that this missense variant is not expected to disrupt DMD protein function with a negative predictive value of 95%. In summary, the available evidence is currently insufficient to determine the role of this variant in disease. Therefore, it has been classified as a Variant of Uncertain Significance.

Revvity Omics, Revvity
Classification: Uncertain significance. Last evaluated: 2019-07-12. Review status: criteria provided, single submitter. Criteria: ACMG Guidelines, 2015. Collection method: clinical testing. Allele origin: germline.